The following is an entry in ClinVar:

ClinVar aggregate classification (germline): Uncertain significance. Review status: criteria provided, multiple submitters, no conflicts (2 of 4 stars). 2 submissions from 2 submitters: Uncertain significance (2). Last evaluated 2026-05-31.

Conditions:
Pulmonary fibrosis and/or bone marrow failure, Telomere-related, 3. Also called: PULMONARY FIBROSIS AND/OR BONE MARROW FAILURE SYNDROME, TELOMERE-RELATED, 3. Identifiers: Orphanet 2032, MedGen C4225346, MONDO:0014613, OMIM 616373.
Dyskeratosis congenita, autosomal recessive 5 (DKCB5). Identifiers: MedGen C3554656, MONDO:0014076, OMIM 615190.
Inborn genetic diseases. Identifiers: MedGen C0950123, MeSH D030342.

Allele frequency attached by ClinVar (database versions not stated): ESP Exome Variant Server 0.00008; TOPMed below 0.00001; gnomAD 0.00001; gnomAD exomes below 0.00001.

Submissions (2):

Ambry Genetics
Classification: Uncertain significance for Inborn genetic diseases. Last evaluated: 2026-05-31. Review status: criteria provided, single submitter. Criteria: Ambry Variant Classification Scheme 2023. Collection method: clinical testing. Allele origin: germline.
Comment: The p.P612L variant (also known as c.1835C>T), located in coding exon 21 of the RTEL1 gene, results from a C to T substitution at nucleotide position 1835. The proline at codon 612 is replaced by leucine, an amino acid with similar properties. This amino acid position is conserved. In addition, the in silico prediction for this alteration is inconclusive. Based on the available evidence, the clinical significance of this variant remains unclear.

Labcorp Genetics (formerly Invitae), Labcorp
Classification: Uncertain significance for Dyskeratosis congenita, autosomal recessive 5; Pulmonary fibrosis and/or bone marrow failure, Telomere-related, 3. Last evaluated: 2025-09-29. Review status: criteria provided, single submitter. Criteria: Invitae Variant Classification Sherloc (09022015). Collection method: clinical testing. Allele origin: germline.
Comment: This sequence change replaces proline, which is neutral and non-polar, with leucine, which is neutral and non-polar, at codon 612 of the RTEL1 protein (p.Pro612Leu). This variant is not present in population databases (gnomAD no frequency). This variant has not been reported in the literature in individuals affected with RTEL1-related conditions. ClinVar contains an entry for this variant (Variation ID: 2926511). An algorithm developed to predict the effect of missense changes on protein structure and function (PolyPhen-2) suggests that this variant is likely to be disruptive. In summary, the available evidence is currently insufficient to determine the role of this variant in disease. Therefore, it has been classified as a Variant of Uncertain Significance.

NM_001283009.2(RTEL1):c.1835C>T (p.Pro612Leu)

Genes: RTEL1 (regulator of telomere elongation helicase 1; plus strand), RTEL1-TNFRSF6B (RTEL1-TNFRSF6B readthrough (NMD candidate); plus strand). Cytogenetic location: 20q13.33.
Variant type: single nucleotide variant.
Coding change: c.1835C>T on transcript NM_001283009.2 (MANE Select); coding-DNA position 1835, C replaced by T.
Protein change: p.Pro612Leu; replaces proline 612 with leucine.
Molecular consequence: missense variant. On other transcripts: non-coding transcript variant (1).
Genome position (GRCh38, 1-based): chr20:63,689,089, C>T. VCF-style: chr20-63689089-C-T. GRCh37 (hg19) VCF-style: chr20-62320442-C-T.
Other names: c.1166C>T, p.Pro389Leu (NM_001283010.1); c.1835C>T, p.Pro612Leu (NM_016434.4); c.1907C>T, p.Pro636Leu (NM_032957.5); short protein forms P389L, P612L, P636L.
Identifiers: ClinVar variation 2926511 (VCV002926511.4), dbSNP rs138458646, ClinGen allele CA317512160.